The following is an entry in ClinVar:

ClinVar aggregate classification (germline): Pathogenic. Review status: criteria provided, single submitter (1 of 4 stars). 2 submissions from 2 submitters: Pathogenic (1). 1 of the submissions does not count toward it. Last evaluated 2023-09-04.

Conditions:
Bardet-Biedl syndrome (BBS). Identifiers: Orphanet 110, MedGen C0752166, MONDO:0015229.

Allele frequency attached by ClinVar (database versions not stated): gnomAD exomes below 0.00001.

Submissions (2):

Labcorp Genetics (formerly Invitae), Labcorp
Classification: Pathogenic for Bardet-Biedl syndrome. Last evaluated: 2023-09-04. Review status: criteria provided, single submitter. Criteria: Invitae Variant Classification Sherloc (09022015). Collection method: clinical testing. Allele origin: germline.
Comment: For these reasons, this variant has been classified as Pathogenic. This variant disrupts a region of the BBS10 protein in which other variant(s) (p.Arg709*) have been determined to be pathogenic (PMID: 29666954). This suggests that this is a clinically significant region of the protein, and that variants that disrupt it are likely to be disease-causing. ClinVar contains an entry for this variant (Variation ID: 988217). This variant has not been reported in the literature in individuals affected with BBS10-related conditions. This variant is not present in population databases (gnomAD no frequency). This sequence change creates a premature translational stop signal (p.Lys708Glufs*14) in the BBS10 gene. While this is not anticipated to result in nonsense mediated decay, it is expected to disrupt the last 16 amino acid(s) of the BBS10 protein.

Sydney Genome Diagnostics, Children's Hospital Westmead
Classification: Likely pathogenic for Bardet-Biedl syndrome. Last evaluated: 2018-08-22. Review status: no assertion criteria provided. Collection method: clinical testing. Allele origin: unknown. Affected: yes. Observed: 1 variant allele, 1 heterozygote. Not counted in ClinVar's aggregate classification.
Comment: The variant has not been reported in any population databases (i.e. gnomAD, ExAC, ESP or dbSNP). To our knowledge, this variant has not been previously reported in the literature or any disease specific databases. This frameshifting variant p.(Lys708Glufs*14) is predicted to affect only the last 16 amino acids of the BBS10 protein. However, other truncating variants in this region have been described in ClinVar as pathogenic ([gene]). This variant is considered to be likely pathogenic according to the ACMG guidelines.

Literature cited by the submitters: PubMed 29666954 (cited by Labcorp Genetics (formerly Invitae), Labcorp).

NM_024685.4(BBS10):c.2122_2123del (p.Lys708fs)

Gene: BBS10 (Bardet-Biedl syndrome 10; minus strand). Cytogenetic location: 12q21.2.
Variant type: Deletion.
Coding change: c.2122_2123del on transcript NM_024685.4 (MANE Select); coding-DNA positions 2122 to 2123, 2 bases deleted (AA; older notation c.2122_2123delAA).
Protein change: p.Lys708fs; shifts the reading frame from lysine 708.
Molecular consequence: frameshift variant.
Genome position (GRCh38, 1-based): chr12:76,345,862-76,345,863, TT deleted on the plus strand (AA on the coding strand, the reverse complement: BBS10 is on the minus strand). VCF-style (leftmost placement, unchanged base first): chr12-76345861-CTT-C. GRCh37 (hg19) VCF-style: chr12-76739641-CTT-C.
Other names: short protein forms K708fs.
Identifiers: ClinVar variation 988217 (VCV000988217.4), dbSNP rs1951753208, ClinGen allele CA2047353061.